The following is an entry in ClinVar:

ClinVar aggregate classification (germline): Uncertain significance (1 of 4 stars; one submission).

Conditions:
DNA ligase IV deficiency. Identifiers: Orphanet 99812, MedGen C1847827, MONDO:0011686, OMIM 606593.

gnomAD v4.1: 8 of 1,614,086 alleles (0.0005%); highest among the groups gnomAD compares: Admixed American, 0.0033%; no homozygotes.

Submission:

Dasa
Classification: Uncertain significance for DNA ligase IV deficiency. Last evaluated: 2024-11-12. Review status: criteria provided, single submitter. Criteria: DASA Assertion Criteria. Collection method: clinical testing. Allele origin: germline.
Comment: NM_206937.2(LIG4):c.1477C>T (p.Pro493Ser) is a missense variant that results in the substitution of proline with serine. This variant is rare in population databases. Computational prediction algorithms are consistent with a benign effect. The currently available literature and clinical evidence are not sufficient to establish a definitive association between this variant and the reported condition. Therefore, this variant is classified as a variant of uncertain significance.

NM_206937.2(LIG4):c.1477C>T (p.Pro493Ser)

Gene: LIG4 (DNA ligase 4; minus strand). Cytogenetic location: 13q33.3.
Variant type: single nucleotide variant.
Coding change: c.1477C>T on transcript NM_206937.2 (MANE Select); coding-DNA position 1477, C replaced by T.
Protein change: p.Pro493Ser; replaces proline 493 with serine.
Molecular consequence: missense variant.
Genome position (GRCh38, 1-based): chr13:108,209,792, G>A on the plus strand (C>T on the coding strand, the complement: LIG4 is on the minus strand). VCF-style: chr13-108209792-G-A. GRCh37 (hg19) VCF-style: chr13-108862140-G-A.
Other names: c.1477C>T, p.Pro493Ser (NM_001098268.2, NM_001352598.2, NM_001352599.2 and 6 more transcripts); c.1276C>T, p.Pro426Ser (NM_001330595.2); c.1513C>T, p.Pro505Ser (NM_001352604.2); short protein forms P426S, P493S, P505S.
Identifiers: ClinVar variation 4882909 (VCV004882909.2).
Genomic context (GRCh38, chr13:108,209,792, plus strand): 5'-TCATGGTGCAGCCAGACCCAACACGAGAGAGAGTATGAAACACAGATGGCTTCTCACCAG[G>A]AGGGGGCTTCTCTGCTACTGCACACAGAAAATGAGACATCATTCCACCCCGTGATCCTTT-3'
Protein context (NP_996820.1, residues 483-503): FLCAVAEKPP[Pro493Ser]GEKPSVFHTL